The following is an entry in ClinVar:

ClinVar aggregate classification (germline): Conflicting classifications of pathogenicity. Review status: criteria provided, conflicting classifications (1 of 4 stars). 2 submissions from 2 submitters: Pathogenic (1); Uncertain significance (1). Last evaluated 2022-04-12.

Conditions:
X-linked Emery-Dreifuss muscular dystrophy. Also called: Muscular dystrophy, tardive Emery-Dreifuss type, with contractures. Identifiers: Orphanet 261, Orphanet 98863, MedGen C0751337, MONDO:0010680.

Submissions (2):

Labcorp Genetics (formerly Invitae), Labcorp
Classification: Uncertain significance for X-linked Emery-Dreifuss muscular dystrophy. Last evaluated: 2022-04-12. Review status: criteria provided, single submitter. Criteria: Invitae Variant Classification Sherloc (09022015). Collection method: clinical testing. Allele origin: germline.
Comment: This variant is not present in population databases (gnomAD no frequency). This variant has been observed in individual(s) with Emery-Dreifuss muscular dystrophy (PMID: 34524739). This sequence change falls in intron 2 of the EMD gene. It does not directly change the encoded amino acid sequence of the EMD protein. ClinVar contains an entry for this variant (Variation ID: 1330306). Algorithms developed to predict the effect of sequence changes on RNA splicing suggest that this variant may create or strengthen a splice site. In summary, the available evidence is currently insufficient to determine the role of this variant in disease. Therefore, it has been classified as a Variant of Uncertain Significance.

Lupski Lab, Baylor-Hopkins CMG, Baylor College of Medicine
Classification: Pathogenic for Emery-Dreifuss muscular dystrophy 1, X-linked. Last evaluated: 2021-09-15. Review status: criteria provided, single submitter. Criteria: Calame DG et al. (Ann Clin Transl Neurol 2021). Collection method: research. Allele origin: maternal. Affected: yes.

Literature cited by the submitters: PubMed 34524739 (cited by Labcorp Genetics (formerly Invitae), Labcorp).

NM_000117.3(EMD):c.188-6A>G

Gene: EMD (emerin; plus strand). Cytogenetic location: Xq28.
Variant type: single nucleotide variant.
Coding change: c.188-6A>G on transcript NM_000117.3 (MANE Select); 6 bases into the intron before coding-DNA position 188, A replaced by G.
Molecular consequence: intron variant.
Genome position (GRCh38, 1-based): chrX:154,379,936, A>G. VCF-style: chrX-154379936-A-G. GRCh37 (hg19) VCF-style: chrX-153608296-A-G.
Identifiers: ClinVar variation 1330306 (VCV001330306.6), dbSNP rs2148128297, ClinGen allele CA2573055168.